The following is an entry in ClinVar:

GRCh38/hg38 2q13(chr2:110123182-110205164)x0

Genes: NPHP1 (nephrocystin 1; minus strand), LOC126806306 (P300/CBP strongly-dependent group 1 enhancer GRCh37_chr2:110906815-110908014; plus strand). Cytogenetic location: 2q13.
Variant type: copy number loss.
Change: copy number 0 (both copies lost) of chr2:110,123,182-110,205,164 (82.0 kb, GRCh38 coordinates, 1-based), cytogenetic band 2q13.
Identifiers: ClinVar variation 2579194 (VCV002579194.1).

ClinVar aggregate classification (germline): Pathogenic (1 of 4 stars; one submission).

Conditions:
Nephronophthisis 1 (NPHP1). Also called: Nephronophthisis familial juvenile. Identifiers: Orphanet 655, Orphanet 93592, MedGen C1855681, MONDO:0009728, OMIM 256100.

Submission:

Broad Center for Mendelian Genomics, Broad Institute of MIT and Harvard
Classification: Pathogenic for Nephronophthisis 1. Last evaluated: 2023-08-24. Review status: criteria provided, single submitter. Criteria: ACMG/ClinGen CNV Guidelines, 2019. Collection method: research. Allele origin: unknown. Inheritance: Autosomal recessive inheritance. Affected: yes.
Comment: A homozygous deletion of NPHP1 was identified by exome sequencing in two siblings with nephronophthisis ([GRCh 38] chr2:110123182_110205164x0). These breakpoints have been estimated by exome sequencing only and therefore may not reflect the true breakpoints. Inheritance information is unavailable. The patient phenotypes are nonspecific, but are consistent with cases described in the literature and/or published databases with overlapping variants. There is complete overlap with the NPHP1 gene. This alteration is then predicted to lead to an absent protein. Loss of function of NPHP1 is an established disease mechanism in autosomal recessive nephronophthisis. A slightly larger overlapping deletion has been identified in 0.3% (22/7624) of European chromosomes by the Genome Aggregation Database (gnomAD; Structural variant: DEL_2_20944). Although a deletion overlapping the region of this CNV has been seen in the general population in a heterozygous state, its frequency is not high enough to rule out a pathogenic role. In summary, this variant meets criteria to be classified as pathogenic for autosomal recessive nephronophthisis. The ACMG/ClinGen evidence codes and points used in this curation are as follows: 1: 0 points, 2: 0.90 points, 4-5: 0.15 points; Total: 1.05 points; Riggs 2020 (PMID: 31690835)